The following is an entry in ClinVar:

NM_000293.3(PHKB):c.409C>T (p.Gln137Ter)

Gene: PHKB (phosphorylase kinase regulatory subunit beta; plus strand). Cytogenetic location: 16q12.1.
Variant type: single nucleotide variant.
Coding change: c.409C>T on transcript NM_000293.3 (MANE Select); coding-DNA position 409, C replaced by T.
Protein change: p.Gln137Ter; replaces glutamine 137 with a stop codon.
Molecular consequence: nonsense.
Genome position (GRCh38, 1-based): chr16:47,511,668, C>T. VCF-style: chr16-47511668-C-T. GRCh37 (hg19) VCF-style: chr16-47545579-C-T.
Other names: c.388C>T, p.Gln130Ter (NM_001031835.3); c.409C>T, p.Gln137Ter (NM_001363837.1); short protein forms Q130*, Q137*.
Identifiers: ClinVar variation 3620661 (VCV003620661.2).

ClinVar aggregate classification (germline): Pathogenic (1 of 4 stars; one submission).

Conditions:
Glycogen storage disease IXb (GSD9B). Also called: GLYCOGENOSIS OF LIVER AND MUSCLE, AUTOSOMAL RECESSIVE; GSD IXb; PHOSPHORYLASE KINASE DEFICIENCY OF LIVER AND MUSCLE, AUTOSOMAL RECESSIVE. Identifiers: Orphanet 79240, MedGen C0543514, MONDO:0009868, OMIM 261750.

gnomAD v4.1: 2 of 1,599,722 alleles (0.00013%); highest among the groups gnomAD compares: Non-Finnish European, 0.000086%; no homozygotes.

Submission:

Labcorp Genetics (formerly Invitae), Labcorp
Classification: Pathogenic for Glycogen storage disease IXb. Last evaluated: 2024-05-05. Review status: criteria provided, single submitter. Criteria: Invitae Variant Classification Sherloc (09022015). Collection method: clinical testing. Allele origin: germline.
Comment: This sequence change creates a premature translational stop signal (p.Gln137*) in the PHKB gene. It is expected to result in an absent or disrupted protein product. Loss-of-function variants in PHKB are known to be pathogenic (PMID: 9215682, 9326319). This variant is present in population databases (no rsID available, gnomAD 0.01%). This variant has not been reported in the literature in individuals affected with PHKB-related conditions. For these reasons, this variant has been classified as Pathogenic.

Literature cited by the submitters: PubMed 9215682; PubMed 9326319.